The following is an entry in ClinVar:

ClinVar aggregate classification (germline): Likely benign (0 of 4 stars; one submission).

Conditions:
ADCY6-related disorder. Also called: ADCY6-related condition.

Allele frequency attached by ClinVar (database versions not stated): ExAC 0.00011; ESP Exome Variant Server 0.00015; TOPMed 0.00043; gnomAD 0.00044.
gnomAD v4.1: 123 of 1,609,732 alleles (0.0076%); highest among the groups gnomAD compares: African/African-American, 0.14%; no homozygotes.

Submission:

PreventionGenetics, part of Exact Sciences
Classification: Likely benign for ADCY6-related condition. Last evaluated: 2019-05-06. Review status: no assertion criteria provided. Collection method: clinical testing. Allele origin: germline.
Comment: This variant is classified as likely benign based on ACMG/AMP sequence variant interpretation guidelines (Richards et al. 2015 PMID: 25741868, with internal and published modifications).

NM_015270.5(ADCY6):c.321G>T (p.Ala107=)

Gene: ADCY6 (adenylate cyclase 6; minus strand). Cytogenetic location: 12q13.12.
Variant type: single nucleotide variant.
Coding change: c.321G>T on transcript NM_015270.5 (MANE Select); coding-DNA position 321, G replaced by T.
Protein change: p.Ala107=; no amino-acid change (alanine 107 retained).
Molecular consequence: synonymous variant. On other transcripts: non-coding transcript variant (1).
Genome position (GRCh38, 1-based): chr12:48,783,114, C>A on the plus strand (G>T on the coding strand, the complement: ADCY6 is on the minus strand). VCF-style: chr12-48783114-C-A. GRCh37 (hg19) VCF-style: chr12-49176897-C-A.
Other names: c.321G>T, p.Ala107= (NM_001390830.1, NM_001390831.2, NM_001412819.1 and 3 more transcripts).
Identifiers: ClinVar variation 3037893 (VCV003037893.2), dbSNP rs148650932, ClinGen allele CA6541604.